The following is an entry in ClinVar:

NM_001330260.2(SCN8A):c.4835C>A (p.Ser1612Tyr)

Gene: SCN8A (sodium voltage-gated channel alpha subunit 8; plus strand). Cytogenetic location: 12q13.13.
Variant type: single nucleotide variant.
Coding change: c.4835C>A on transcript NM_001330260.2 (MANE Select); coding-DNA position 4835, C replaced by A.
Protein change: p.Ser1612Tyr; replaces serine 1612 with tyrosine.
Molecular consequence: missense variant.
Genome position (GRCh38, 1-based): chr12:51,806,321, C>A. VCF-style: chr12-51806321-C-A. GRCh37 (hg19) VCF-style: chr12-52200105-C-A.
Other names: c.4712C>A, p.Ser1571Tyr (NM_001177984.3, NM_001369788.1); c.4835C>A, p.Ser1612Tyr (NM_014191.4); short protein forms S1612Y, S1571Y.
Identifiers: ClinVar variation 4795301 (VCV004795301.1).
Genomic context (GRCh38, chr12:51,806,321, plus strand): 5'-TTCTTCTATTCCTCTTCTTAGGAATGTTCCTGGCAGATATAATTGAGAAATACTTTGTTT[C>A]CCCAACCCTATTCCGAGTCATCCGATTGGCCCGTATTGGGCGCATCTTGCGTCTGATCAA-3'
Protein context (NP_001317189.1, residues 1602-1622): LADIIEKYFV[Ser1612Tyr]PTLFRVIRLA

ClinVar aggregate classification (germline): Uncertain significance (1 of 4 stars; one submission).

Submission:

GeneDx
Classification: Uncertain significance. Last evaluated: 2025-08-14. Review status: criteria provided, single submitter. Criteria: GeneDx Variant Classification Process June 2021. Collection method: clinical testing. Allele origin: germline. Affected: yes.
Comment: Not observed at significant frequency in large population cohorts (gnomAD); In silico analysis supports that this missense variant has a deleterious effect on protein structure/function; Has not been previously published as pathogenic or benign to our knowledge; This substitution is predicted to be within the extracellular loop between the S3 and S4 transmembrane segments of the fourth homologous domain